The following is an entry in ClinVar:

NM_006015.6(ARID1A):c.3978GCA[11] (p.Gln1334_Arg1335insGlnGlnGln)

Gene: ARID1A (AT-rich interaction domain 1A; plus strand). Cytogenetic location: 1p36.11.
Variant type: Microsatellite.
Coding change: c.3978GCA[11] on transcript NM_006015.6 (MANE Select); 11 copies in a row of the 3-base unit GCA starting at c.3978; the reference has eight copies in a row; three copies, 9 bases duplicated.
Protein change: p.Gln1334_Arg1335insGlnGlnGln.
Molecular consequence: inframe insertion.
Genome position (GRCh38, 1-based): chr1:26,773,706-26,773,714, GCAGCAGCA duplicated; duplicating any 9 consecutive bases within chr1:26,773,691-26,773,714 gives the same sequence; the position shown is the placement nearest the transcript's 3' end. VCF-style (leftmost placement, unchanged base first): chr1-26773690-C-CGCAGCAGCA. GRCh37 (hg19) VCF-style: chr1-27100181-C-CGCAGCAGCA.
Other names: c.3978GCA[11], p.Gln1334_Arg1335insGlnGlnGln (NM_139135.4).
Identifiers: ClinVar variation 3619788 (VCV003619788.2).
Genomic context (GRCh38, chr1:26,773,690, plus strand): 5'-AGCCGAATCTCATGCCTTCCAACCCAGACTCGGGGATGTATTCTCCTAGCCGCTACCCCC[C>CGCAGCAGCA]GCAGCAGCAGCAGCAGCAGCAGCAACGGTGAGTAAAGCCTGGTCTCGGTGCTGCTATGGA-3'

ClinVar aggregate classification (germline): Uncertain significance (1 of 4 stars; one submission).

Submission:

Labcorp Genetics (formerly Invitae), Labcorp
Classification: Uncertain significance. Last evaluated: 2024-06-21. Review status: criteria provided, single submitter. Criteria: Invitae Variant Classification Sherloc (09022015). Collection method: clinical testing. Allele origin: germline.
Comment: This variant, c.3993_4001dup, results in the insertion of 3 amino acid(s) of the ARID1A protein (p.Gln1332_Gln1334dup), but otherwise preserves the integrity of the reading frame. This variant is present in population databases (rs570962335, gnomAD 0.005%). This variant has not been reported in the literature in individuals affected with ARID1A-related conditions. In summary, the available evidence is currently insufficient to determine the role of this variant in disease. Therefore, it has been classified as a Variant of Uncertain Significance.